The following is an entry in ClinVar:

NM_001204.7(BMPR2):c.2654A>G (p.Asp885Gly)

Gene: BMPR2 (bone morphogenetic protein receptor type 2; plus strand). Cytogenetic location: 2q33.2.
Variant type: single nucleotide variant.
Coding change: c.2654A>G on transcript NM_001204.7 (MANE Select); coding-DNA position 2654, A replaced by G.
Protein change: p.Asp885Gly; replaces aspartic acid 885 with glycine.
Molecular consequence: missense variant.
Genome position (GRCh38, 1-based): chr2:202,556,319, A>G. VCF-style: chr2-202556319-A-G. GRCh37 (hg19) VCF-style: chr2-203421042-A-G.
Other names: short protein forms D885G.
Identifiers: ClinVar variation 3992216 (VCV003992216.1).

ClinVar aggregate classification (germline): Uncertain significance (1 of 4 stars; one submission).

Conditions:
Inborn genetic diseases. Identifiers: MedGen C0950123, MeSH D030342.

Submission:

Ambry Genetics
Classification: Uncertain significance for Inborn genetic diseases. Last evaluated: 2025-06-02. Review status: criteria provided, single submitter. Criteria: Ambry Variant Classification Scheme 2023. Collection method: clinical testing. Allele origin: germline.
Comment: The p.D885G variant (also known as c.2654A>G), located in coding exon 12 of the BMPR2 gene, results from an A to G substitution at nucleotide position 2654. The aspartic acid at codon 885 is replaced by glycine, an amino acid with similar properties. This amino acid position is conserved. In addition, the in silico prediction for this alteration is inconclusive. Based on the available evidence, the clinical significance of this variant remains unclear.